The following is an entry in ClinVar:

NC_000012.11:g.(?_88209612)_(88484553_?)del

Genes: CEP290 (centrosomal protein 290; minus strand), RLIG1 (RNA 5'-phosphate and 3'-OH ligase 1; plus strand), ZC3H11D (zinc finger CCCH-type containing 11D; minus strand). Cytogenetic location: 12q21.32.
Variant type: Deletion.
Identifiers: ClinVar variation 3244277 (VCV003244277.1).

ClinVar aggregate classification (germline): Pathogenic (1 of 4 stars; one submission).

Conditions:
Joubert syndrome. Also called: CEREBELLOPARENCHYMAL DISORDER IV; JOUBERT-BOLTSHAUSER SYNDROME; Familial aplasia of the vermis. Identifiers: Orphanet 475, MedGen C5979921, MONDO:0018772.
Nephronophthisis. Also called: Juvenile Nephronophthisis. Identifiers: Orphanet 655, MedGen C0687120, MONDO:0019005, HP:0000090.
Meckel-Gruber syndrome. Also called: DYSENCEPHALIA SPLANCHNOCYSTICA; GRUBER SYNDROME; Dysencephalia splachnocystica. Identifiers: Orphanet 564, MedGen C0265215, MONDO:0018921.

Submission:

Labcorp Genetics (formerly Invitae), Labcorp
Classification: Pathogenic for Joubert syndrome; Meckel-Gruber syndrome; Nephronophthisis. Last evaluated: 2023-08-17. Review status: criteria provided, single submitter. Criteria: Invitae Variant Classification Sherloc (09022015). Collection method: clinical testing. Allele origin: unknown.
Comment: This variant has not been reported in the literature in individuals affected with CEP290-related conditions. This variant results in the deletion of part of exon 30 and exons 31-54 (c.3525_*171del) of the CEP290 gene. While this deletion is not anticipated to lead to nonsense mediated decay, it is expected to alter mRNA translation or result in a truncated protein product. This variant disrupts a region of the CEP290 protein in which other variant(s) (p.Leu2448Thrfs*8) have been determined to be pathogenic (PMID: 16682973, 16909394, 29588463). This suggests that this is a clinically significant region of the protein, and that variants that disrupt it are likely to be disease-causing. For these reasons, this variant has been classified as Pathogenic.

Literature cited by the submitters: PubMed 16682973; PubMed 16909394; PubMed 29588463.